The following is an entry in ClinVar:

ClinVar aggregate classification (germline): Uncertain significance (1 of 4 stars; one submission).

Conditions:
HSPA9-related disorder. Also called: HSPA9-related condition.

Submission:

PreventionGenetics, part of Exact Sciences
Classification: Uncertain significance for HSPA9-related condition. Last evaluated: 2025-04-10. Review status: criteria provided, single submitter. Criteria: ACMG Guidelines, 2015. Collection method: clinical testing. Allele origin: germline.
Comment: The HSPA9 c.842C>G variant is predicted to result in the amino acid substitution p.Ala281Gly. To our knowledge, this variant has not been reported in the literature or in a large population database (gnomAD), indicating this variant is rare. At this time, the clinical significance of this variant is uncertain due to the absence of conclusive functional and genetic evidence.

NM_004134.7(HSPA9):c.842C>G (p.Ala281Gly)

Gene: HSPA9 (heat shock protein family A (Hsp70) member 9; minus strand). Cytogenetic location: 5q31.2.
Variant type: single nucleotide variant.
Coding change: c.842C>G on transcript NM_004134.7 (MANE Select); coding-DNA position 842, C replaced by G.
Protein change: p.Ala281Gly; replaces alanine 281 with glycine.
Molecular consequence: missense variant.
Genome position (GRCh38, 1-based): chr5:138,567,038, G>C on the plus strand (C>G on the coding strand, the complement: HSPA9 is on the minus strand). VCF-style: chr5-138567038-G-C. GRCh37 (hg19) VCF-style: chr5-137902727-G-C.
Other names: short protein forms A281G.
Identifiers: ClinVar variation 4978297 (VCV004978297.1).
Genomic context (GRCh38, chr5:138,567,038, plus strand): 5'-TATTAACCACATTGGTAACTCACCTCTCTCTTGAACTCCTTCACAATGTGCCGTAGCAAG[G>C]CCTGGTCAAAGTCTTCCCCACCTAAGAAGGTATCCCCATTTGTGGATTTCACCTCAAATA-3'
Protein context (NP_004125.3, residues 271-291): TFLGGEDFDQ[Ala281Gly]LLRHIVKEFK